The following is an entry in ClinVar:

ClinVar aggregate classification (germline): Pathogenic (1 of 4 stars; one submission).

Conditions:
Pyruvate carboxylase deficiency. Also called: ATAXIA WITH LACTIC ACIDOSIS II; LEIGH NECROTIZING ENCEPHALOPATHY DUE TO PYRUVATE CARBOXYLASE DEFICIENCY; PC DEFICIENCY; LEIGH SYNDROME DUE TO PYRUVATE CARBOXYLASE DEFICIENCY; Pyruvate Carboxylase Deficiency Disease. Identifiers: Orphanet 3008, MedGen C0034341, MONDO:0009949, OMIM 266150.

Submission:

Labcorp Genetics (formerly Invitae), Labcorp
Classification: Pathogenic for Pyruvate carboxylase deficiency. Last evaluated: 2021-10-06. Review status: criteria provided, single submitter. Criteria: Invitae Variant Classification Sherloc (09022015). Collection method: clinical testing. Allele origin: germline.
Comment: For these reasons, this variant has been classified as Pathogenic. Studies have shown that disruption of this splice site results in activation of a cryptic splice site and introduces a premature termination codon (PMID: 19306334). The resulting mRNA is expected to undergo nonsense-mediated decay. Disruption of this splice site has been observed in individual(s) with pyruvate carboxylase deficiency (PMID: 19306334). This variant is not present in population databases (ExAC no frequency). This sequence change affects an acceptor splice site in intron 9 of the PC gene. RNA analysis indicates that disruption of this splice site induces altered splicing and may result in an absent or disrupted protein product.

Literature cited by the submitters: PubMed 19306334.

NM_001040716.2(PC):c.1023-1G>A

Gene: PC (pyruvate carboxylase; minus strand). Cytogenetic location: 11q13.2.
Variant type: single nucleotide variant.
Coding change: c.1023-1G>A on transcript NM_001040716.2 (MANE Select); the canonical splice acceptor site of the intron before coding-DNA position 1023, G replaced by A.
Molecular consequence: splice acceptor variant.
Genome position (GRCh38, 1-based): chr11:66,866,350, C>T on the plus strand (G>A on the coding strand, the complement: PC is on the minus strand). VCF-style: chr11-66866350-C-T. GRCh37 (hg19) VCF-style: chr11-66633821-C-T.
Other names: c.1023-1G>A (NM_022172.3, NM_000920.4).
Identifiers: ClinVar variation 1454180 (VCV001454180.6), dbSNP rs2135917561, ClinGen allele CA381499772.
Genomic context (GRCh38, chr11:66,866,350, plus strand): 5'-CCCAGGTCGGGTAGGCTCCTGCCCTCAGCCACGTGGATCTGAGCATGGACCAGGTCTACG[C>T]TGTAGGGCATTGGGGGGAGGGGGGAAAGGACGGGAGAAAGGGGGAAACATGAGGCGGGGG-3'